The following is an entry in ClinVar:

ClinVar aggregate classification (germline): Uncertain significance. Review status: criteria provided, multiple submitters, no conflicts (2 of 4 stars). 3 submissions from 3 submitters: Uncertain significance (3). Last evaluated 2023-04-03.

Conditions:
Proteasome-associated autoinflammatory syndrome 3. Identifiers: MedGen C4747850, MONDO:0054699, OMIM 617591.

Allele frequency attached by ClinVar (database versions not stated): gnomAD exomes below 0.00001; TOPMed below 0.00001; ExAC 0.00001.

Submissions (3):

Labcorp Genetics (formerly Invitae), Labcorp
Classification: Uncertain significance. Last evaluated: 2023-04-03. Review status: criteria provided, single submitter. Criteria: Invitae Variant Classification Sherloc (09022015). Collection method: clinical testing. Allele origin: germline.
Comment: This variant is present in population databases (rs777632466, gnomAD 0.006%). This sequence change replaces glycine, which is neutral and non-polar, with arginine, which is basic and polar, at codon 158 of the PSMB4 protein (p.Gly158Arg). This variant has not been reported in the literature in individuals affected with PSMB4-related conditions. ClinVar contains an entry for this variant (Variation ID: 1032848). An algorithm developed to predict the effect of missense changes on protein structure and function (PolyPhen-2) suggests that this variant is likely to be disruptive. In summary, the available evidence is currently insufficient to determine the role of this variant in disease. Therefore, it has been classified as a Variant of Uncertain Significance.

Ambry Genetics
Classification: Uncertain significance. Last evaluated: 2022-05-11. Review status: criteria provided, single submitter. Criteria: Ambry Variant Classification Scheme 2023. Collection method: clinical testing. Allele origin: germline.

Baylor Genetics
Classification: Uncertain significance for Proteasome-associated autoinflammatory syndrome 3. Last evaluated: 2018-07-29. Review status: criteria provided, single submitter. Criteria: ACMG Guidelines, 2015. Collection method: clinical testing. Allele origin: maternal. Affected: yes.
Comment: This variant was determined to be of uncertain significance according to ACMG Guidelines, 2015 [PMID:25741868].

NM_002796.3(PSMB4):c.472G>A (p.Gly158Arg)

Gene: PSMB4 (proteasome 20S subunit beta 4; plus strand). Cytogenetic location: 1q21.3.
Variant type: single nucleotide variant.
Coding change: c.472G>A on transcript NM_002796.3 (MANE Select); coding-DNA position 472, G replaced by A.
Protein change: p.Gly158Arg; replaces glycine 158 with arginine.
Molecular consequence: missense variant.
Genome position (GRCh38, 1-based): chr1:151,400,566, G>A. VCF-style: chr1-151400566-G-A. GRCh37 (hg19) VCF-style: chr1-151373042-G-A.
Other names: short protein forms G158R.
Identifiers: ClinVar variation 1032848 (VCV001032848.6), dbSNP rs777632466, ClinGen allele CA1090660.